The following is an entry in ClinVar:

NM_001048174.2(MUTYH):c.492+8G>C

Gene: MUTYH (mutY DNA glycosylase; minus strand). Cytogenetic location: 1p34.1.
Variant type: single nucleotide variant.
Coding change: c.492+8G>C on transcript NM_001048174.2 (MANE Select); 8 bases into the intron after coding-DNA position 492, G replaced by C.
Molecular consequence: intron variant.
Genome position (GRCh38, 1-based): chr1:45,332,755, C>G on the plus strand (G>C on the coding strand, the complement: MUTYH is on the minus strand). VCF-style: chr1-45332755-C-G. GRCh37 (hg19) VCF-style: chr1-45798427-C-G.
Other names: c.147+8G>C (NM_001350651.2, NM_001350650.2); c.216+8G>C (NM_001293192.2, NM_001293196.2); c.492+8G>C (NM_001048171.2, NM_001048173.2, NM_001293195.2); c.537+8G>C (NM_001293190.2); c.567+8G>C (NM_012222.3); c.576+8G>C (NM_001128425.2); c.495+8G>C (NM_001048172.2); c.525+8G>C (NM_001293191.2).
Identifiers: ClinVar variation 238350 (VCV000238350.24), dbSNP rs190500741, ClinGen allele CA058317.

ClinVar aggregate classification (germline): Likely benign. Review status: criteria provided, multiple submitters, no conflicts (2 of 4 stars). 6 submissions from 6 submitters: Likely benign (5). 1 of the submissions does not count toward it. Last evaluated 2025-11-17.

Conditions:
MUTYH-related disorder. Also called: MUTYH-related condition; MUTYH-related disorders.
Hereditary cancer-predisposing syndrome. Also called: Hereditary Cancer Syndrome; Tumor predisposition; Hereditary neoplastic syndrome; Neoplastic Syndromes, Hereditary. Identifiers: Orphanet 140162, MedGen C0027672, MeSH D009386, MONDO:0015356.
Familial adenomatous polyposis 2. Also called: MUTYH-associated polyposis; MUTYH-related attenuated familial adenomatous polyposis; Adenomas, multiple colorectal; MUTYH Polyposis; COLORECTAL ADENOMATOUS POLYPOSIS, AUTOSOMAL RECESSIVE; ADENOMAS, MULTIPLE COLORECTAL, AUTOSOMAL RECESSIVE. Identifiers: Orphanet 220460, Orphanet 247798, MedGen C3272841, MONDO:0012041, OMIM 608456.

Allele frequency attached by ClinVar (database versions not stated): gnomAD exomes below 0.00001 and 0.00001; ExAC 0.00001; gnomAD 0.00007; TOPMed 0.00015; 1000 Genomes Project 30x 0.00031; 1000 Genomes Project 0.00040.
gnomAD v4.1: 18 of 1,614,198 alleles (0.0011%); highest among the groups gnomAD compares: Admixed American, 0.018%; no homozygotes.

Submissions (6):

Labcorp Genetics (formerly Invitae), Labcorp
Classification: Likely benign for Familial adenomatous polyposis 2. Last evaluated: 2025-11-17. Review status: criteria provided, single submitter. Criteria: Invitae Variant Classification Sherloc (09022015). Collection method: clinical testing. Allele origin: germline.

Women's Health and Genetics/Laboratory Corporation of America, LabCorp
Classification: Likely benign. Last evaluated: 2025-07-24. Review status: criteria provided, single submitter. Criteria: LabCorp Variant Classification Summary - May 2015. Collection method: clinical testing. Allele origin: germline.
Comment: Variant summary: MUTYH c.576+8G>C alters a nucleotide located at a position not widely known to affect splicing. Consensus agreement among computation tools predict no significant impact on normal splicing. However, these predictions have yet to be confirmed by functional studies. The variant allele was found at a frequency of 1.2e-05 in 251486 control chromosomes. The available data on variant occurrences in the general population are insufficient to allow any conclusion about variant significance. c.576+8G>C has been observed in individual(s) affected with MUTYH-Associated Polyposis (Cruz-Correa_2013). These report(s) do not provide unequivocal conclusions about association of the variant with MUTYH-Associated Polyposis. To our knowledge, no experimental evidence demonstrating an impact on protein function has been reported. The following publication have been ascertained in the context of this evaluation (PMID: 23460355). ClinVar contains an entry for this variant (Variation ID: 238350). Based on the evidence outlined above, the variant was classified as likely benign.

Genetic Services Laboratory, University of Chicago
Classification: Likely benign. Last evaluated: 2020-04-23. Review status: criteria provided, single submitter. Criteria: ACMG Guidelines, 2015. Collection method: clinical testing. Allele origin: germline. Affected: no.

Quest Diagnostics Nichols Institute San Juan Capistrano
Classification: Likely benign. Last evaluated: 2017-07-13. Review status: criteria provided, single submitter. Criteria: Quest Diagnostics criteria. Collection method: clinical testing. Allele origin: unknown.

Color Diagnostics, LLC DBA Color Health
Classification: Likely benign for Hereditary cancer-predisposing syndrome. Last evaluated: 2017-05-01. Review status: criteria provided, single submitter. Criteria: ACMG Guidelines, 2015. Collection method: clinical testing. Allele origin: germline.

PreventionGenetics, part of Exact Sciences
Classification: Likely benign for MUTYH-related condition. Last evaluated: 2020-01-02. Review status: no assertion criteria provided. Collection method: clinical testing. Allele origin: germline. Not counted in ClinVar's aggregate classification.
Comment: This variant is classified as likely benign based on ACMG/AMP sequence variant interpretation guidelines (Richards et al. 2015 PMID: 25741868, with internal and published modifications).

Literature cited by the submitters: PubMed 23460355 (cited by Women's Health and Genetics/Laboratory Corporation of America, LabCorp).